The following is an entry in ClinVar:

ClinVar aggregate classification (germline): Pathogenic/Likely pathogenic. Review status: criteria provided, multiple submitters, no conflicts (2 of 4 stars). 3 submissions from 3 submitters: Pathogenic (1); Likely pathogenic (1). 1 of the submissions does not count toward it. Last evaluated 2022-05-04.

Conditions:
Familial X-linked hypophosphatemic vitamin D refractory rickets (XLHRD). Also called: Hypophosphatemia, vitamin D-resistant rickets; Vitamin D-resistant rickets, X-linked; X-Linked Hypophosphatemia; Hypophosphatemic Rickets, X-Linked Dominant; HYPOPHOSPHATEMIC VITAMIN D-RESISTANT RICKETS. Identifiers: Orphanet 89936, MedGen C0733682, MONDO:0010619, OMIM 307800.
PHEX-related disorder. Also called: PHEX-related condition.

Submissions (3):

Mendelics
Classification: Pathogenic for Familial X-linked hypophosphatemic vitamin D refractory rickets. Last evaluated: 2022-05-04. Review status: criteria provided, single submitter. Criteria: Mendelics Assertion Criteria 2019. Collection method: clinical testing. Allele origin: germline.

Labcorp Genetics (formerly Invitae), Labcorp
Classification: Likely pathogenic. Last evaluated: 2021-11-11. Review status: criteria provided, single submitter. Criteria: Invitae Variant Classification Sherloc (09022015). Collection method: clinical testing. Allele origin: germline.
Comment: In summary, the currently available evidence indicates that the variant is pathogenic, but additional data are needed to prove that conclusively. Therefore, this variant has been classified as Likely Pathogenic. Algorithms developed to predict the effect of sequence changes on RNA splicing suggest that this variant may create or strengthen a splice site. Advanced modeling of protein sequence and biophysical properties (such as structural, functional, and spatial information, amino acid conservation, physicochemical variation, residue mobility, and thermodynamic stability) performed at Invitae indicates that this missense variant is expected to disrupt PHEX protein function. This missense change has been observed in individual(s) with hypophosphatemic rickets (Invitae). This variant is not present in population databases (gnomAD no frequency). This sequence change replaces aspartic acid, which is acidic and polar, with glycine, which is neutral and non-polar, at codon 349 of the PHEX protein (p.Asp349Gly).

PreventionGenetics, part of Exact Sciences
Classification: Uncertain significance for PHEX-related condition. Last evaluated: 2024-07-15. Review status: no assertion criteria provided. Collection method: clinical testing. Allele origin: germline. Not counted in ClinVar's aggregate classification.
Comment: The PHEX c.1046A>G variant is predicted to result in the amino acid substitution p.Asp349Gly. To our knowledge, this variant has not been reported in the literature or in a large population database, indicating this variant is rare. This variant is predicted to create a cryptic splicing donor site by splicing prediction program (SpliceAI, Jaganathan et al. 2019. PubMed ID: 30661751). In ClinVar, this variant is interpreted as likely pathogenic/pathogenic, however, no additional supporting evidence was provided. This variant could be pathogenic. At this time, the clinical significance of this variant is uncertain due to the absence of conclusive functional and genetic evidence.

NM_000444.6(PHEX):c.1046A>G (p.Asp349Gly)

Gene: PHEX (phosphate regulating endopeptidase X-linked; plus strand). Cytogenetic location: Xp22.11.
Variant type: single nucleotide variant.
Coding change: c.1046A>G on transcript NM_000444.6 (MANE Select); coding-DNA position 1046, A replaced by G.
Protein change: p.Asp349Gly; replaces aspartic acid 349 with glycine.
Molecular consequence: missense variant.
Genome position (GRCh38, 1-based): chrX:22,099,118, A>G. VCF-style: chrX-22099118-A-G. GRCh37 (hg19) VCF-style: chrX-22117236-A-G.
Other names: c.1046A>G (NM_000444.5); c.1046A>G, p.Asp349Gly (NM_001282754.2); short protein forms D349G.
Identifiers: ClinVar variation 1516491 (VCV001516491.8), dbSNP rs2147047501, ClinGen allele CA412572980.